The following is an entry in ClinVar:

NM_021961.6(TEAD1):c.382G>T (p.Ala128Ser)

Gene: TEAD1 (TEA domain transcription factor 1; plus strand). Cytogenetic location: 11p15.3.
Variant type: single nucleotide variant.
Coding change: c.382G>T on transcript NM_021961.6 (MANE Select); coding-DNA position 382, G replaced by T.
Protein change: p.Ala128Ser; replaces alanine 128 with serine.
Molecular consequence: missense variant.
Genome position (GRCh38, 1-based): chr11:12,879,759, G>T. VCF-style: chr11-12879759-G-T. GRCh37 (hg19) VCF-style: chr11-12901306-G-T.
Other names: short protein forms A128S.
Identifiers: ClinVar variation 1493333 (VCV001493333.8), dbSNP rs988376900, ClinGen allele CA217824087.

ClinVar aggregate classification (germline): Uncertain significance (1 of 4 stars; one submission).

Allele frequency attached by ClinVar (database versions not stated): gnomAD exomes below 0.00001; gnomAD 0.00002; TOPMed 0.00002.
gnomAD v4.1: 5 of 1,614,088 alleles (0.00031%); highest among the groups gnomAD compares: African/African-American, 0.0067%; no homozygotes.

Submission:

Labcorp Genetics (formerly Invitae), Labcorp
Classification: Uncertain significance. Last evaluated: 2022-07-12. Review status: criteria provided, single submitter. Criteria: Invitae Variant Classification Sherloc (09022015). Collection method: clinical testing. Allele origin: germline.
Comment: This sequence change replaces alanine, which is neutral and non-polar, with serine, which is neutral and polar, at codon 128 of the TEAD1 protein (p.Ala128Ser). This variant is present in population databases (no rsID available, gnomAD 0.02%). This variant has not been reported in the literature in individuals affected with TEAD1-related conditions. ClinVar contains an entry for this variant (Variation ID: 1493333). Algorithms developed to predict the effect of missense changes on protein structure and function are either unavailable or do not agree on the potential impact of this missense change (SIFT: "Deleterious"; PolyPhen-2: "Possibly Damaging"; Align-GVGD: "Class C0"). In summary, the available evidence is currently insufficient to determine the role of this variant in disease. Therefore, it has been classified as a Variant of Uncertain Significance.